The following is an entry in ClinVar:

NM_017802.4(DNAAF5):c.1777_1778del (p.Gln593fs)

Gene: DNAAF5 (dynein axonemal assembly factor 5; plus strand). Cytogenetic location: 7p22.3.
Variant type: Microsatellite.
Coding change: c.1777_1778del on transcript NM_017802.4 (MANE Select); coding-DNA positions 1777 to 1778, 2 bases deleted (CA; older notation c.1777_1778delCA).
Protein change: p.Gln593fs; shifts the reading frame from glutamine 593.
Molecular consequence: frameshift variant. On other transcripts: non-coding transcript variant (1).
Genome position (GRCh38, 1-based): chr7:763,968-763,969, CA deleted; deleting any 2 consecutive bases within chr7:763,966-763,969 gives the same sequence; the c. name uses the placement nearest the transcript's 3' end. VCF-style (leftmost placement, unchanged base first): chr7-763965-GCA-G. GRCh37 (hg19) VCF-style: chr7-803602-GCA-G.
Other names: short protein forms Q593fs.
Identifiers: ClinVar variation 1453546 (VCV001453546.6), dbSNP rs1782745000, ClinGen allele CA1682152352.

ClinVar aggregate classification (germline): Pathogenic (1 of 4 stars; one submission).

Conditions:
Primary ciliary dyskinesia. Also called: Ciliary dyskinesia. Identifiers: Orphanet 244, MedGen C0008780, MONDO:0016575, HP:0012265.

Submission:

Labcorp Genetics (formerly Invitae), Labcorp
Classification: Pathogenic for Primary ciliary dyskinesia. Last evaluated: 2021-09-28. Review status: criteria provided, single submitter. Criteria: Invitae Variant Classification Sherloc (09022015). Collection method: clinical testing. Allele origin: germline.
Comment: For these reasons, this variant has been classified as Pathogenic. This variant has not been reported in the literature in individuals with DNAAF5-related conditions. This variant is not present in population databases (ExAC no frequency). This sequence change creates a premature translational stop signal (p.Gln593Valfs*154) in the DNAAF5 gene. It is expected to result in an absent or disrupted protein product. Loss-of-function variants in DNAAF5 are known to be pathogenic (PMID: 24307375, 25232951).

Literature cited by the submitters: PubMed 24307375; PubMed 25232951.